The following is an entry in ClinVar:

NM_005562.3(LAMC2):c.1469_1470insACTGTCTCTTATACACA (p.Ala491fs)

Gene: LAMC2 (laminin subunit gamma 2; plus strand). Cytogenetic location: 1q25.3.
Variant type: Insertion.
Coding change: c.1469_1470insACTGTCTCTTATACACA on transcript NM_005562.3 (MANE Select); coding-DNA positions 1469 to 1470, ACTGTCTCTTATACACA inserted.
Protein change: p.Ala491fs; shifts the reading frame from alanine 491.
Molecular consequence: frameshift variant.
Genome position: GRCh38 VCF-style: chr1-183228374-G-GACTGTCTCTTATACACA. GRCh37 (hg19) VCF-style: chr1-183197509-G-GACTGTCTCTTATACACA.
Other names: c.1469_1470insACTGTCTCTTATACACA, p.Ala491fs (NM_018891.3); short protein forms A491fs.
Identifiers: ClinVar variation 1726495 (VCV001726495.2), dbSNP rs2526068932, ClinGen allele CA2580061642.
Genomic context (GRCh38, chr1:183,228,374, plus strand): 5'-TGCGTCTGGTCTTCCTCCTGATGGATGTCGACCTAGGCTTGGTCATTTGTTCCTTCCCAG[G>GACTGTCTCTTATACACA]TGCCCGCTGTGAGCTCTGTGCTGATGGCTACTTTGGGGACCCCTTTGGTGAACATGGCCC-3'

ClinVar aggregate classification (germline): Likely pathogenic (1 of 4 stars; one submission).

Conditions:
Junctional epidermolysis bullosa gravis of Herlitz. Also called: Herlitz-type junctional epidermolysis bullosa; EPIDERMOLYSIS BULLOSA, JUNCTIONAL 1B, SEVERE; EPIDERMOLYSIS BULLOSA JUNCTIONALIS, HERLITZ TYPE; EPIDERMOLYSIS BULLOSA, JUNCTIONAL, HERLITZ-PEARSON TYPE; JEB-HERLITZ TYPE; Epidermolysis Bullosa Letalis. Identifiers: Orphanet 79404, MedGen C0079683, MONDO:0009182, OMIM 226700.

Submission:

Myriad Genetics, Inc.
Classification: Likely pathogenic for Junctional epidermolysis bullosa gravis of Herlitz. Last evaluated: 2021-12-17. Review status: criteria provided, single submitter. Criteria: Myriad Women's Health Autosomal Recessive and X-Linked Classification Criteria (2021). Collection method: clinical testing. Allele origin: unknown.
Comment: NM_005562.2(LAMC2):c.1469_1470ins17(A491Lfs*27) is expected to be pathogenic in the context of junctional epidermolysis bullosa, LAMC2-related. This variant is predicted to lead to an abnormal or absent protein product due to the creation of a premature termination codon in LAMC2, a gene where loss-of-function variants are known to be pathogenic. Please note: this variant was assessed in the context of healthy population screening.